The following is an entry in ClinVar:

ClinVar aggregate classification (germline): Benign (1 of 4 stars; one submission).

Conditions:
Pitt-Hopkins syndrome (PTHS). Also called: ENCEPHALOPATHY, SEVERE EPILEPTIC, WITH AUTONOMIC DYSFUNCTION; MENTAL RETARDATION, SYNDROMAL, WITH INTERMITTENT HYPERVENTILATION. Identifiers: Orphanet 2896, MedGen C1970431, MONDO:0012589, OMIM 610954.

Allele frequency attached by ClinVar (database versions not stated): 1000 Genomes Project 0.00040; 1000 Genomes Project 30x 0.00047; TOPMed 0.00087; gnomAD 0.00090 and 0.00096.

Submission:

Illumina Laboratory Services, Illumina
Classification: Benign for Pitt-Hopkins syndrome. Last evaluated: 2018-01-13. Review status: criteria provided, single submitter. Criteria: ICSL Variant Classification Criteria 13 December 2019. Collection method: clinical testing. Allele origin: germline.
Comment: This variant was observed in the ICSL laboratory as part of a predisposition screen in an ostensibly healthy population. It had not been previously curated by ICSL or reported in the Human Gene Mutation Database (HGMD: prior to June 1st, 2018), and was therefore a candidate for classification through an automated scoring system. Utilizing variant allele frequency, disease prevalence and penetrance estimates, and inheritance mode, an automated score was calculated to assess if this variant is too frequent to cause the disease. Based on the score and internal cut-off values, a variant classified as benign is not then subjected to further curation. The score for this variant resulted in a classification of benign for this disease.

NM_001083962.2(TCF4):c.*4549C>G

Gene: TCF4 (transcription factor 4; minus strand). Cytogenetic location: 18q21.2.
Variant type: single nucleotide variant.
Coding change: c.*4549C>G on transcript NM_001083962.2 (MANE Select); 4549 bases downstream of the stop codon, C replaced by G.
Molecular consequence: 3 prime UTR variant.
Genome position (GRCh38, 1-based): chr18:55,223,486, G>C on the plus strand (C>G on the coding strand, the complement: TCF4 is on the minus strand). VCF-style: chr18-55223486-G-C. GRCh37 (hg19) VCF-style: chr18-52890717-G-C.
Other names: c.*4549C>G (NM_001243226.3, NM_001243227.2, NM_001243228.2 and 42 more transcripts).
Identifiers: ClinVar variation 327233 (VCV000327233.5), dbSNP rs562495030, ClinGen allele CA10641718.
Genomic context (GRCh38, chr18:55,223,486, plus strand): 5'-TGAAATGAAACAAGTGTCAGAAACAGTTTATAAAAATGGCACATTTATTGCTACAGAACG[G>C]TCATGTACATGACTTCATCGAATAACTACAGATGGGAAACAGGTAATGGCCTTGACCAAG-3'